The following is an entry in ClinVar:

ClinVar aggregate classification (germline): Uncertain significance (1 of 4 stars; one submission).

Submission:

Labcorp Genetics (formerly Invitae), Labcorp
Classification: Uncertain significance. Last evaluated: 2025-05-23. Review status: criteria provided, single submitter. Criteria: Invitae Variant Classification Sherloc (09022015). Collection method: clinical testing. Allele origin: germline.
Comment: This sequence change replaces arginine, which is basic and polar, with glycine, which is neutral and non-polar, at codon 811 of the PIEZO2 protein (p.Arg811Gly). This variant is not present in population databases (gnomAD no frequency). This variant has not been reported in the literature in individuals affected with PIEZO2-related conditions. Invitae Evidence Modeling of protein sequence and biophysical properties (such as structural, functional, and spatial information, amino acid conservation, physicochemical variation, residue mobility, and thermodynamic stability) indicates that this missense variant is not expected to disrupt PIEZO2 protein function with a negative predictive value of 80%. In summary, the available evidence is currently insufficient to determine the role of this variant in disease. Therefore, it has been classified as a Variant of Uncertain Significance.

NM_001378183.1(PIEZO2):c.2431C>G (p.Arg811Gly)

Gene: PIEZO2 (piezo type mechanosensitive ion channel component 2; minus strand). Cytogenetic location: 18p11.22.
Variant type: single nucleotide variant.
Coding change: c.2431C>G on transcript NM_001378183.1 (MANE Select); coding-DNA position 2431, C replaced by G.
Protein change: p.Arg811Gly; replaces arginine 811 with glycine.
Molecular consequence: missense variant.
Genome position (GRCh38, 1-based): chr18:10,784,845, G>C on the plus strand (C>G on the coding strand, the complement: PIEZO2 is on the minus strand). VCF-style: chr18-10784845-G-C. GRCh37 (hg19) VCF-style: chr18-10784843-G-C.
Other names: c.2431C>G, p.Arg811Gly (NM_001410871.1, NM_022068.4); short protein forms R811G.
Identifiers: ClinVar variation 4803421 (VCV004803421.1).